The following is an entry in ClinVar:

NM_000243.3(MEFV):c.1648C>G (p.Pro550Ala)

Gene: MEFV (MEFV innate immunity regulator, pyrin; minus strand). Cytogenetic location: 16p13.3.
Variant type: single nucleotide variant.
Coding change: c.1648C>G on transcript NM_000243.3 (MANE Select); coding-DNA position 1648, C replaced by G.
Protein change: p.Pro550Ala; replaces proline 550 with alanine.
Molecular consequence: missense variant.
Genome position (GRCh38, 1-based): chr16:3,244,551, G>C on the plus strand (C>G on the coding strand, the complement: MEFV is on the minus strand). VCF-style: chr16-3244551-G-C. GRCh37 (hg19) VCF-style: chr16-3294551-G-C.
Other names: c.1015C>G, p.Pro339Ala (NM_001198536.2); short protein forms P339A, P550A.
Identifiers: ClinVar variation 1348290 (VCV001348290.8), dbSNP rs2141666419, ClinGen allele CA394458820.

ClinVar aggregate classification (germline): Uncertain significance (1 of 4 stars; one submission).

Conditions:
Familial Mediterranean fever (FMF). Also called: Periodic peritonitis; Benign paroxysmal peritonitis; POLYSEROSITIS, FAMILIAL PAROXYSMAL; POLYSEROSITIS, RECURRENT. Identifiers: Orphanet 342, MedGen C0031069, MONDO:0018088, OMIM 249100. Disease mechanism: gain of function.

Submission:

Labcorp Genetics (formerly Invitae), Labcorp
Classification: Uncertain significance for Familial Mediterranean fever. Last evaluated: 2022-10-20. Review status: criteria provided, single submitter. Criteria: Invitae Variant Classification Sherloc (09022015). Collection method: clinical testing. Allele origin: germline.
Comment: In summary, the available evidence is currently insufficient to determine the role of this variant in disease. Therefore, it has been classified as a Variant of Uncertain Significance. Algorithms developed to predict the effect of missense changes on protein structure and function are either unavailable or do not agree on the potential impact of this missense change (SIFT: "Tolerated"; PolyPhen-2: "Probably Damaging"; Align-GVGD: "Class C0"). ClinVar contains an entry for this variant (Variation ID: 1348290). This variant has not been reported in the literature in individuals affected with MEFV-related conditions. This variant is not present in population databases (gnomAD no frequency). This sequence change replaces proline, which is neutral and non-polar, with alanine, which is neutral and non-polar, at codon 550 of the MEFV protein (p.Pro550Ala).